The following is an entry in ClinVar:

ClinVar aggregate classification (germline): Likely benign (0 of 4 stars; one submission).

Conditions:
STK4-related disorder. Also called: STK4-related condition.

Submission:

PreventionGenetics, part of Exact Sciences
Classification: Likely benign for STK4-related condition. Last evaluated: 2020-03-25. Review status: no assertion criteria provided. Collection method: clinical testing. Allele origin: germline.
Comment: This variant is classified as likely benign based on ACMG/AMP sequence variant interpretation guidelines (Richards et al. 2015 PMID: 25741868, with internal and published modifications).

NM_006282.5(STK4):c.694-26TTTG[3]

Gene: STK4 (serine/threonine kinase 4; plus strand). Cytogenetic location: 20q13.12.
Variant type: Microsatellite.
Coding change: c.694-26TTTG[3] on transcript NM_006282.5 (MANE Select); three copies in a row of the 4-base unit TTTG starting at c.694-26.
Molecular consequence: intron variant.
Genome position: GRCh38 VCF-style: chr20-44997142-TTTTG-T. GRCh37 (hg19) VCF-style: chr20-43625783-TTTTG-T.
Other names: c.694-26TTTG[3] (NM_001352385.2).
Identifiers: ClinVar variation 3050874 (VCV003050874.2), dbSNP rs755804396, ClinGen allele CA9873857.